The following is an entry in ClinVar:

ClinVar aggregate classification (germline): Conflicting classifications of pathogenicity. Review status: criteria provided, conflicting classifications (1 of 4 stars). 3 submissions from 3 submitters: Uncertain significance (2); Likely benign (1). Last evaluated 2025-05-21.

Conditions:
Hypomyelination with brain stem and spinal cord involvement and leg spasticity. Also called: ASPARTYL-tRNA SYNTHETASE DEFICIENCY; Hypomyelination with brainstem and spinal cord involvement and leg spasticity. Identifiers: Orphanet 363412, MedGen C4755254, MONDO:0014115, OMIM 615281.
Inborn genetic diseases. Identifiers: MedGen C0950123, MeSH D030342.

Allele frequency attached by ClinVar (database versions not stated): gnomAD exomes 0.00014 and 0.00006; gnomAD 0.00045 and 0.00048; 1000 Genomes Project 30x 0.00031; 1000 Genomes Project 0.00040; ExAC 0.00017; ESP Exome Variant Server 0.00038; TOPMed 0.00051.
gnomAD v4.1: 162 of 1,612,660 alleles (0.01%); highest among the groups gnomAD compares: African/African-American, 0.19%; 1 homozygote.

Submissions (3):

Ambry Genetics
Classification: Likely benign for Inborn genetic diseases. Last evaluated: 2025-05-21. Review status: criteria provided, single submitter. Criteria: Ambry Variant Classification Scheme 2023. Collection method: clinical testing. Allele origin: germline.

Labcorp Genetics (formerly Invitae), Labcorp
Classification: Uncertain significance. Last evaluated: 2024-10-11. Review status: criteria provided, single submitter. Criteria: Invitae Variant Classification Sherloc (09022015). Collection method: clinical testing. Allele origin: germline.
Comment: This sequence change replaces valine, which is neutral and non-polar, with isoleucine, which is neutral and non-polar, at codon 135 of the DARS protein (p.Val135Ile). This variant is present in population databases (rs140573664, gnomAD 0.2%). This variant has not been reported in the literature in individuals affected with DARS-related conditions. ClinVar contains an entry for this variant (Variation ID: 1696555). Invitae Evidence Modeling of protein sequence and biophysical properties (such as structural, functional, and spatial information, amino acid conservation, physicochemical variation, residue mobility, and thermodynamic stability) indicates that this missense variant is not expected to disrupt DARS protein function with a negative predictive value of 80%. In summary, the available evidence is currently insufficient to determine the role of this variant in disease. Therefore, it has been classified as a Variant of Uncertain Significance.

New York Genome Center
Classification: Uncertain significance for Hypomyelination with brain stem and spinal cord involvement and leg spasticity. Last evaluated: 2021-07-16. Review status: criteria provided, single submitter. Criteria: NYGC Assertion Criteria 2020. Collection method: clinical testing. Allele origin: inherited. Observed: 1 variant allele. Study: CSER-NYCKidSeq.

NM_001349.4(DARS1):c.403G>A (p.Val135Ile)

Gene: DARS1 (aspartyl-tRNA synthetase 1; minus strand). Cytogenetic location: 2q21.3.
Variant type: single nucleotide variant.
Coding change: c.403G>A on transcript NM_001349.4 (MANE Select); coding-DNA position 403, G replaced by A.
Protein change: p.Val135Ile; replaces valine 135 with isoleucine.
Molecular consequence: missense variant.
Genome position (GRCh38, 1-based): chr2:135,943,398, C>T on the plus strand (G>A on the coding strand, the complement: DARS1 is on the minus strand). VCF-style: chr2-135943398-C-T. GRCh37 (hg19) VCF-style: chr2-136700968-C-T.
Other names: c.103G>A, p.Val35Ile (NM_001293312.1); c.403G>A (NM_001349.2); short protein forms V135I, V35I.
Identifiers: ClinVar variation 1696555 (VCV001696555.3), dbSNP rs140573664, ClinGen allele CA1889845.